The following is an entry in ClinVar:

NM_001276270.2(MBD4):c.855T>A (p.Asp285Glu)

Gene: MBD4 (methyl-CpG binding domain 4, DNA glycosylase; minus strand). Cytogenetic location: 3q21.3.
Variant type: single nucleotide variant.
Coding change: c.855T>A on transcript NM_001276270.2 (MANE Select); coding-DNA position 855, T replaced by A.
Protein change: p.Asp285Glu; replaces aspartic acid 285 with glutamic acid.
Molecular consequence: missense variant. On other transcripts: intron variant (1).
Genome position (GRCh38, 1-based): chr3:129,436,789, A>T on the plus strand (T>A on the coding strand, the complement: MBD4 is on the minus strand). VCF-style: chr3-129436789-A-T. GRCh37 (hg19) VCF-style: chr3-129155632-A-T.
Other names: c.855T>A, p.Asp285Glu (NM_001276271.2, NM_001276272.2, NM_003925.3); c.247+1019T>A (NM_001276273.2); short protein forms D285E.
Identifiers: ClinVar variation 3638786 (VCV003638786.2).

ClinVar aggregate classification (germline): Uncertain significance (1 of 4 stars; one submission).

Submission:

Labcorp Genetics (formerly Invitae), Labcorp
Classification: Uncertain significance. Last evaluated: 2024-02-04. Review status: criteria provided, single submitter. Criteria: Invitae Variant Classification Sherloc (09022015). Collection method: clinical testing. Allele origin: germline.
Comment: This sequence change replaces aspartic acid, which is acidic and polar, with glutamic acid, which is acidic and polar, at codon 285 of the MBD4 protein (p.Asp285Glu). This variant is not present in population databases (gnomAD no frequency). This variant has not been reported in the literature in individuals affected with MBD4-related conditions. Algorithms developed to predict the effect of missense changes on protein structure and function output the following: SIFT: "Not Available"; PolyPhen-2: "Benign"; Align-GVGD: "Not Available". The glutamic acid amino acid residue is found in multiple mammalian species, which suggests that this missense change does not adversely affect protein function. In summary, the available evidence is currently insufficient to determine the role of this variant in disease. Therefore, it has been classified as a Variant of Uncertain Significance.